The following is an entry in ClinVar:

NM_002156.5(HSPD1):c.1068G>A (p.Met356Ile)

Gene: HSPD1 (heat shock protein family D (Hsp60) member 1; minus strand). Cytogenetic location: 2q33.1.
Variant type: single nucleotide variant.
Coding change: c.1068G>A on transcript NM_002156.5 (MANE Select); coding-DNA position 1068, G replaced by A.
Protein change: p.Met356Ile; replaces methionine 356 with isoleucine.
Molecular consequence: missense variant.
Genome position (GRCh38, 1-based): chr2:197,489,149, C>T on the plus strand (G>A on the coding strand, the complement: HSPD1 is on the minus strand). VCF-style: chr2-197489149-C-T. GRCh37 (hg19) VCF-style: chr2-198353873-C-T.
Other names: c.1068G>A, p.Met356Ile (NM_199440.2); short protein forms M356I.
Identifiers: ClinVar variation 1489606 (VCV001489606.6), dbSNP rs764997042, ClinGen allele CA62852976.

ClinVar aggregate classification (germline): Uncertain significance (1 of 4 stars; one submission).

Conditions:
Spastic paraplegia. Identifiers: MedGen C0037772, HP:0001258.

Allele frequency attached by ClinVar (database versions not stated): gnomAD 0.00001; TOPMed 0.00001.
gnomAD v4.1: 4 of 1,614,018 alleles (0.00025%); highest among the groups gnomAD compares: Non-Finnish European, 0.00025%; no homozygotes.

Submission:

Labcorp Genetics (formerly Invitae), Labcorp
Classification: Uncertain significance for Spastic paraplegia. Last evaluated: 2021-10-20. Review status: criteria provided, single submitter. Criteria: Invitae Variant Classification Sherloc (09022015). Collection method: clinical testing. Allele origin: germline.
Comment: This variant is not present in population databases (ExAC no frequency). This variant has not been reported in the literature in individuals affected with HSPD1-related conditions. Algorithms developed to predict the effect of missense changes on protein structure and function (SIFT, PolyPhen-2, Align-GVGD) all suggest that this variant is likely to be tolerated. In summary, the available evidence is currently insufficient to determine the role of this variant in disease. Therefore, it has been classified as a Variant of Uncertain Significance. This sequence change replaces methionine with isoleucine at codon 356 of the HSPD1 protein (p.Met356Ile). The methionine residue is weakly conserved and there is a small physicochemical difference between methionine and isoleucine.